The following is an entry in ClinVar:

NM_001999.4(FBN2):c.1922G>A (p.Cys641Tyr)

Gene: FBN2 (fibrillin 2; minus strand). Cytogenetic location: 5q23.3.
Variant type: single nucleotide variant.
Coding change: c.1922G>A on transcript NM_001999.4 (MANE Select); coding-DNA position 1922, G replaced by A.
Protein change: p.Cys641Tyr; replaces cysteine 641 with tyrosine.
Molecular consequence: missense variant.
Genome position (GRCh38, 1-based): chr5:128,376,781, C>T on the plus strand (G>A on the coding strand, the complement: FBN2 is on the minus strand). VCF-style: chr5-128376781-C-T. GRCh37 (hg19) VCF-style: chr5-127712474-C-T.
Other names: short protein forms C641Y.
Identifiers: ClinVar variation 213281 (VCV000213281.2), dbSNP rs863223555, ClinGen allele CA324647.

ClinVar aggregate classification (germline): Uncertain significance (1 of 4 stars; one submission).

Submission:

GeneDx
Classification: Uncertain significance. Last evaluated: 2017-12-06. Review status: criteria provided, single submitter. Criteria: GeneDx Variant Classification (06012015). Collection method: clinical testing. Allele origin: germline. Affected: yes.
Comment: p.Cys641Tyr (TGC>TAC): c.1922 G>A in exon 14 of the FBN2 gene (NM_001999.3) The Cys641Tyr variant in the FBN2 gene has not been reported as a disease-causing mutation or as a benign polymorphism to our knowledge. Cys641Tyr results in a non-conservative amino acid substitution resulting in a loss of a Cysteine residue, which could affect disulfide bonding. Additionally, the Cys641 residue is conserved across species. In silico analysis predicts Cys641Tyr is damaging to the protein structure/function. The Cys641Tyr variant was not observed in approximately 6,500 individuals of European and African American ancestry in the NHLBI Exome Sequencing Project, indicating it is not a common benign variant in these populations. Nevertheless, no mutations in nearby residues have been reported in association with contractural arachnodactyly. With the clinical and molecular information available at this time, we cannot definitively determine if Cys641Tyr is a disease-causing mutation or a rare benign variant. This variant was found in TAAD